The following is an entry in ClinVar:

ClinVar aggregate classification (germline): Benign/Likely benign. Review status: criteria provided, multiple submitters, no conflicts (2 of 4 stars). 14 submissions from 14 submitters: Benign (9); Likely benign (3). 2 of the submissions do not count toward it. Last evaluated 2026-02-01.

Conditions:
Cardiovascular phenotype. Identifiers: MedGen CN230736.
Walker-Warburg congenital muscular dystrophy. Also called: Muscular dystrophy-dystroglycanopathy, type A; Walker-Warburg syndrome. Identifiers: Orphanet 899, MedGen C0265221, MONDO:0000171.
Muscular dystrophy-dystroglycanopathy (congenital with brain and eye anomalies), type A1 (MDDGA1). Also called: Muscular dystrophy-dystroglycanopathy (congenital with brain and eye anomalies), type A, 1; WALKER-WARBURG SYNDROME OR MUSCLE-EYE-BRAIN DISEASE, POMT1-RELATED; Hydrocephalus, agyria and retinal dysplasia; Hard +/- E syndrome; Warburg syndrome; Chemke syndrome. Identifiers: Orphanet 588, Orphanet 899, MedGen C4284790, MONDO:0009364, OMIM 236670.
Muscular dystrophy-dystroglycanopathy (congenital with brain and eye anomalies), type A5. Also called: WALKER-WARBURG SYNDROME OR MUSCLE-EYE-BRAIN DISEASE, FKRP-RELATED; MUSCULAR DYSTROPHY-DYSTROGLYCANOPATHY (CONGENITAL WITH BRAIN AND EYE ANOMALIES), TYPE A, 5. Identifiers: Orphanet 588, Orphanet 899, MedGen C3150413, MONDO:0013157, OMIM 613153.
Muscular dystrophy-dystroglycanopathy type B5 (MDDGB5). Also called: MUSCULAR DYSTROPHY-DYSTROGLYCANOPATHY (CONGENITAL WITH OR WITHOUT IMPAIRED INTELLECTUAL DEVELOPMENT), TYPE B, 5; MUSCULAR DYSTROPHY, CONGENITAL, 1C; MUSCULAR DYSTROPHY, CONGENITAL, FKRP-RELATED. Identifiers: MedGen C1847759, MONDO:0011688, OMIM 606612.
Autosomal recessive limb-girdle muscular dystrophy type 2I. Also called: MUSCULAR DYSTROPHY-DYSTROGLYCANOPATHY, LIMB-GIRDLE, FRKP-RELATED; MUSCULAR DYSTROPHY-DYSTROGLYCANOPATHY (LIMB-GIRDLE), TYPE C, 5; MUSCULAR DYSTROPHY, LIMB-GIRDLE, TYPE 2I. Identifiers: Orphanet 34515, MedGen C1846672, MONDO:0011787, OMIM 607155.

Allele frequency attached by ClinVar (database versions not stated): gnomAD exomes 0.00071; ExAC 0.00214; gnomAD 0.00313 and 0.00330; TOPMed 0.00330; 1000 Genomes Project 0.00399; 1000 Genomes Project 30x 0.00437.
gnomAD v4.1: 910 of 1,542,120 alleles (0.059%); highest among the groups gnomAD compares: African/African-American, 1.1%; 8 homozygotes.

Submissions (14):

Labcorp Genetics (formerly Invitae), Labcorp
Classification: Benign for Walker-Warburg congenital muscular dystrophy. Last evaluated: 2026-02-01. Review status: criteria provided, single submitter. Criteria: Invitae Variant Classification Sherloc (09022015). Collection method: clinical testing. Allele origin: germline.

Molecular Diagnostic Laboratory for Inherited Cardiovascular Disease, Montreal Heart Institute
Classification: Benign. Last evaluated: 2025-04-09. Review status: criteria provided, single submitter. Criteria: ACMG Guidelines, 2015. Collection method: clinical testing. Allele origin: germline. Affected: no.

Women's Health and Genetics/Laboratory Corporation of America, LabCorp
Classification: Likely benign. Last evaluated: 2025-02-24. Review status: criteria provided, single submitter. Criteria: LabCorp Variant Classification Summary - May 2015. Collection method: clinical testing. Allele origin: germline.

Blueprint Genetics
Classification: Likely benign. Last evaluated: 2024-11-26. Review status: criteria provided, single submitter. Criteria: ACMG Guidelines, 2015. Collection method: clinical testing. Allele origin: germline.

Mayo Clinic Laboratories, Mayo Clinic
Classification: Benign. Last evaluated: 2023-12-08. Review status: criteria provided, single submitter. Criteria: ACMG Guidelines, 2015. Collection method: clinical testing. Allele origin: germline. Observed: 10 variant alleles.
Comment: BS1, BS2, BP4, BP7

ARUP Laboratories, Molecular Genetics and Genomics, ARUP Laboratories
Classification: Benign. Last evaluated: 2023-11-29. Review status: criteria provided, single submitter. Criteria: ARUP Molecular Germline Variant Investigation Process 2024. Collection method: clinical testing. Allele origin: germline.

Fulgent Genetics
Classification: Benign for Muscular dystrophy-dystroglycanopathy (congenital with brain and eye anomalies), type A1; Muscular dystrophy-dystroglycanopathy type B5; Autosomal recessive limb-girdle muscular dystrophy type 2I; Muscular dystrophy-dystroglycanopathy (congenital with brain and eye anomalies), type A5. Last evaluated: 2021-08-18. Review status: criteria provided, single submitter. Criteria: ACMG Guidelines, 2015. Collection method: clinical testing. Allele origin: unknown.

GeneDx
Classification: Likely benign. Last evaluated: 2021-05-14. Review status: criteria provided, single submitter. Criteria: GeneDx Variant Classification Process June 2021. Collection method: clinical testing. Allele origin: germline. Affected: yes.

Ambry Genetics
Classification: Benign for Cardiovascular phenotype. Last evaluated: 2019-03-26. Review status: criteria provided, single submitter. Criteria: Ambry Variant Classification Scheme 2023. Collection method: clinical testing. Allele origin: germline.

Athena Diagnostics
Classification: Benign. Last evaluated: 2017-09-25. Review status: criteria provided, single submitter. Criteria: Athena Diagnostics Criteria. Collection method: clinical testing. Allele origin: germline.

Eurofins Ntd Llc (ga)
Classification: Benign. Last evaluated: 2015-12-27. Review status: criteria provided, single submitter. Criteria: EGL Classification Definitions 2015. Collection method: clinical testing. Allele origin: germline. Observed: 1 variant allele, 1 heterozygote.

PreventionGenetics, part of Exact Sciences
Classification: Benign. Review status: criteria provided, single submitter. Criteria: ACMG Guidelines, 2015. Collection method: clinical testing. Allele origin: germline.

Clinical Genetics DNA and cytogenetics Diagnostics Lab, Erasmus MC, Erasmus Medical Center
Classification: Benign. Review status: no assertion criteria provided. Collection method: clinical testing. Allele origin: germline. Affected: yes. Study: VKGL Data-share Consensus. Not counted in ClinVar's aggregate classification.

Clinical Genetics, Academic Medical Center
Classification: Benign. Review status: no assertion criteria provided. Collection method: clinical testing. Allele origin: germline. Affected: yes. Study: VKGL Data-share Consensus. Not counted in ClinVar's aggregate classification.

NM_024301.5(FKRP):c.1020C>T (p.Tyr340=)

Gene: FKRP (fukutin related protein; plus strand). Cytogenetic location: 19q13.32.
Variant type: single nucleotide variant.
Coding change: c.1020C>T on transcript NM_024301.5 (MANE Select); coding-DNA position 1020, C replaced by T.
Protein change: p.Tyr340=; no amino-acid change (tyrosine 340 retained).
Molecular consequence: synonymous variant.
Genome position (GRCh38, 1-based): chr19:46,756,470, C>T. VCF-style: chr19-46756470-C-T. GRCh37 (hg19) VCF-style: chr19-47259727-C-T.
Other names: p.Tyr340=; c.1020C>T, p.Tyr340= (NM_001039885.3).
Identifiers: ClinVar variation 241455 (VCV000241455.33), dbSNP rs77351928, ClinGen allele CA9532225.